The following is an entry in ClinVar:

NM_001110556.2(FLNA):c.827G>A (p.Arg276Gln)

Gene: FLNA (filamin A; minus strand). Cytogenetic location: Xq28.
Variant type: single nucleotide variant.
Coding change: c.827G>A on transcript NM_001110556.2 (MANE Select); coding-DNA position 827, G replaced by A.
Protein change: p.Arg276Gln; replaces arginine 276 with glutamine.
Molecular consequence: missense variant.
Genome position (GRCh38, 1-based): chrX:154,367,438, C>T on the plus strand (G>A on the coding strand, the complement: FLNA is on the minus strand). VCF-style: chrX-154367438-C-T. GRCh37 (hg19) VCF-style: chrX-153595806-C-T.
Other names: c.827G>A, p.Arg276Gln (NM_001456.4); short protein forms R276Q.
Identifiers: ClinVar variation 2449574 (VCV002449574.6), dbSNP rs184188371, ClinGen allele CA10561355.

ClinVar aggregate classification (germline): Conflicting classifications of pathogenicity. Review status: criteria provided, conflicting classifications (1 of 4 stars). 3 submissions from 3 submitters: Uncertain significance (2); Likely benign (1). Last evaluated 2025-07-04.

Conditions:
Familial thoracic aortic aneurysm and aortic dissection (TAAD). Also called: Thoracic aortic aneurysms and dissections. Identifiers: Orphanet 91387, MedGen C4707243, MONDO:0019625.
Heterotopia, periventricular, X-linked dominant (PVNH1). Also called: PERIVENTRICULAR NODULAR HETEROTOPIA 1; PERIVENTRICULAR NODULAR HETEROTOPIA 4; HETEROTOPIA, PERIVENTRICULAR, 1; X-linked periventricular heterotopia. Identifiers: Orphanet 2149, Orphanet 82004, MedGen C1848213, MONDO:0010233, OMIM 300049.
Melnick-Needles syndrome (MNS). Also called: MELNICK-NEEDLES OSTEODYSPLASTY; OSTEODYSPLASTY OF MELNICK AND NEEDLES; Melnick-Needles Syndrome (FLNA-MNS). Identifiers: Orphanet 2484, MedGen C0025237, MONDO:0010650, OMIM 309350.
Oto-palato-digital syndrome, type II (OPD2). Also called: FACIOPALATOOSSEOUS SYNDROME; OPD II SYNDROME; Otopalatodigital Syndrome Type 2 (FLNA-OPD2); Otopalatodigital Syndrome, Type II. Identifiers: Orphanet 669, Orphanet 90652, MedGen C1844696, MONDO:0010571, OMIM 304120.
Frontometaphyseal dysplasia (FMD1). Identifiers: Orphanet 1826, MedGen C0265293, MONDO:0015942.

Allele frequency attached by ClinVar (database versions not stated): gnomAD exomes below 0.00001; ExAC 0.00001; gnomAD 0.00001; 1000 Genomes Project 30x 0.00021; 1000 Genomes Project 0.00026.
gnomAD v4.1: 2 of 1,210,310 alleles (0.00017%); highest among the groups gnomAD compares: Non-Finnish European, 0.00011%; no homozygotes.

Submissions (3):

Labcorp Genetics (formerly Invitae), Labcorp
Classification: Likely benign for Oto-palato-digital syndrome, type II; Heterotopia, periventricular, X-linked dominant; Frontometaphyseal dysplasia; Melnick-Needles syndrome. Last evaluated: 2025-07-04. Review status: criteria provided, single submitter. Criteria: Invitae Variant Classification Sherloc (09022015). Collection method: clinical testing. Allele origin: germline.

GeneDx
Classification: Uncertain significance. Last evaluated: 2023-06-12. Review status: criteria provided, single submitter. Criteria: GeneDx Variant Classification Process June 2021. Collection method: clinical testing. Allele origin: germline. Affected: yes.
Comment: Has not been previously published as pathogenic or benign to our knowledge; Not observed at significant frequency in large population cohorts (gnomAD); In silico analysis supports that this missense variant has a deleterious effect on protein structure/function

Ambry Genetics
Classification: Uncertain significance for Familial thoracic aortic aneurysm and aortic dissection. Last evaluated: 2023-03-09. Review status: criteria provided, single submitter. Criteria: Ambry Variant Classification Scheme 2023. Collection method: clinical testing. Allele origin: germline.
Comment: The p.R276Q variant (also known as c.827G>A), located in coding exon 4 of the FLNA gene, results from a G to A substitution at nucleotide position 827. The arginine at codon 276 is replaced by glutamine, an amino acid with highly similar properties. Based on data from gnomAD, the A allele has an overall frequency of 0.0006% (1/181615) total alleles studied, with no hemizygotes observed. The highest observed frequency was 0.0012% (1/81070) of European (non-Finnish) alleles. This amino acid position is well conserved in available vertebrate species. In addition, the in silico prediction for this alteration is inconclusive. Since supporting evidence is limited at this time, the clinical significance of this alteration remains unclear.